The following is an entry in ClinVar:

ClinVar aggregate classification (germline): Uncertain significance (1 of 4 stars; one submission).

Conditions:
Mitochondrial trifunctional protein deficiency. Identifiers: Orphanet 746, MedGen C1969443, MONDO:0012172.

Allele frequency attached by ClinVar (database versions not stated): gnomAD exomes 0.00001; ExAC 0.00002; TOPMed 0.00002; gnomAD 0.00003; 1000 Genomes Project 30x 0.00016; 1000 Genomes Project 0.00020.
gnomAD v4.1: 18 of 1,614,178 alleles (0.0011%); highest among the groups gnomAD compares: Admixed American, 0.0067%; no homozygotes.

Submission:

Labcorp Genetics (formerly Invitae), Labcorp
Classification: Uncertain significance for Mitochondrial trifunctional protein deficiency. Last evaluated: 2022-02-08. Review status: criteria provided, single submitter. Criteria: Invitae Variant Classification Sherloc (09022015). Collection method: clinical testing. Allele origin: germline.
Comment: This sequence change replaces valine, which is neutral and non-polar, with methionine, which is neutral and non-polar, at codon 161 of the HADHB protein (p.Val161Met). This variant is present in population databases (rs371100088, gnomAD 0.009%). This variant has not been reported in the literature in individuals affected with HADHB-related conditions. Algorithms developed to predict the effect of missense changes on protein structure and function are either unavailable or do not agree on the potential impact of this missense change (SIFT: "Deleterious"; PolyPhen-2: "Possibly Damaging"; Align-GVGD: "Class C0"). In summary, the available evidence is currently insufficient to determine the role of this variant in disease. Therefore, it has been classified as a Variant of Uncertain Significance.

NM_000183.3(HADHB):c.481G>A (p.Val161Met)

Gene: HADHB (hydroxyacyl-CoA dehydrogenase trifunctional multienzyme complex subunit beta; plus strand). Cytogenetic location: 2p23.3.
Variant type: single nucleotide variant.
Coding change: c.481G>A on transcript NM_000183.3 (MANE Select); coding-DNA position 481, G replaced by A.
Protein change: p.Val161Met; replaces valine 161 with methionine.
Molecular consequence: missense variant.
Genome position (GRCh38, 1-based): chr2:26,278,652, G>A. VCF-style: chr2-26278652-G-A. GRCh37 (hg19) VCF-style: chr2-26501520-G-A.
Other names: c.436G>A, p.Val146Met (NM_001281512.2); c.415G>A, p.Val139Met (NM_001281513.2); short protein forms V146M, V139M, V161M.
Identifiers: ClinVar variation 2202601 (VCV002202601.1), dbSNP rs371100088, ClinGen allele CA1560242.